The following is an entry in ClinVar:

ClinVar aggregate classification (germline): Benign/Likely benign. Review status: criteria provided, multiple submitters, no conflicts (2 of 4 stars). 3 submissions from 3 submitters: Benign (1); Likely benign (2). Last evaluated 2026-01-19.

Conditions:
ARHGEF10-related disorder. Also called: ARHGEF10-related condition.

Allele frequency attached by ClinVar (database versions not stated): TOPMed 0.00278; gnomAD exomes 0.00021 and 0.00054; ExAC 0.00070; ESP Exome Variant Server 0.00146; 1000 Genomes Project 0.00160; 1000 Genomes Project 30x 0.00187; gnomAD 0.00251 and 0.00263.
gnomAD v4.1: 698 of 1,614,042 alleles (0.043%); highest among the groups gnomAD compares: African/African-American, 0.83%; 2 homozygotes.

Submissions (3):

Labcorp Genetics (formerly Invitae), Labcorp
Classification: Benign. Last evaluated: 2026-01-19. Review status: criteria provided, single submitter. Criteria: Invitae Variant Classification Sherloc (09022015). Collection method: clinical testing. Allele origin: germline.

PreventionGenetics, part of Exact Sciences
Classification: Likely benign for ARHGEF10-related condition. Last evaluated: 2025-09-18. Review status: criteria provided, single submitter. Criteria: ACMG Guidelines, 2015. Collection method: clinical testing. Allele origin: germline.
Comment: This variant is classified as likely benign based on ACMG/AMP sequence variant interpretation guidelines (Richards et al. 2015 PMID: 25741868, with internal and published modifications).

Blueprint Genetics
Classification: Likely benign. Last evaluated: 2024-03-09. Review status: criteria provided, single submitter. Criteria: ACMG Guidelines, 2015. Collection method: clinical testing. Allele origin: germline.

NM_014629.4(ARHGEF10):c.482-6C>G

Gene: ARHGEF10 (Rho guanine nucleotide exchange factor 10; plus strand). Cytogenetic location: 8p23.3.
Variant type: single nucleotide variant.
Coding change: c.482-6C>G on transcript NM_014629.4 (MANE Select); 6 bases into the intron before coding-DNA position 482, C replaced by G.
Molecular consequence: intron variant.
Genome position (GRCh38, 1-based): chr8:1,864,367, C>G. VCF-style: chr8-1864367-C-G. GRCh37 (hg19) VCF-style: chr8-1812533-C-G.
Other names: c.482-3C>G (NM_001438092.1, NM_001438091.1, NM_001308152.2 and 2 more transcripts); c.482-6C>G (NM_001438093.1); c.554-3C>G (NM_001308153.1).
Identifiers: ClinVar variation 1557946 (VCV001557946.10), dbSNP rs145413883, ClinGen allele CA4599812.
Genomic context (GRCh38, chr8:1,864,367, plus strand): 5'-AAACATCAACTTCATGAGCATTTTTGTCAGGCGTAAAGCAGCATCACATATTTTCTTTCC[C>G]AGCAGAAACACCAGAAGTCACAGAAGATCGCCAGCCCAATTCTCTGAGTTCCGAGGAGCC-3'